The following is an entry in ClinVar:

ClinVar aggregate classification (germline): Benign/Likely benign. Review status: criteria provided, multiple submitters, no conflicts (2 of 4 stars). 16 submissions from 16 submitters: Benign (2); Likely benign (12). 2 of the submissions do not count toward it. Last evaluated 2026-01-31.

Conditions:
MSH6-related disorder. Also called: MSH6-related condition; MSH6-Related disorders.
Hereditary nonpolyposis colorectal neoplasms. Identifiers: MedGen C0009405, MeSH D003123.
Hereditary cancer-predisposing syndrome. Also called: Neoplastic Syndromes, Hereditary; Tumor predisposition; Hereditary neoplastic syndrome; Hereditary Cancer Syndrome. Identifiers: Orphanet 140162, MedGen C0027672, MeSH D009386, MONDO:0015356.
Lynch syndrome. Identifiers: Orphanet 144, MedGen C4552100, MONDO:0005835. Disease mechanism: loss of function.
Lynch syndrome 5 (LYNCH5). Also called: Colorectal cancer, hereditary nonpolyposis, type 5; Hereditary non-polyposis colorectal cancer, type 5. Identifiers: Orphanet 144, MedGen C1833477, MONDO:0013710, OMIM 614350. Disease mechanism: loss of function.

Allele frequency attached by ClinVar (database versions not stated): gnomAD exomes 0.00004 and 0.00007; ExAC 0.00005; gnomAD 0.00005; TOPMed 0.00005.
gnomAD v4.1: 121 of 1,614,140 alleles (0.0075%); highest among the groups gnomAD compares: Non-Finnish European, 0.0083%; no homozygotes.

Submissions (16):

Labcorp Genetics (formerly Invitae), Labcorp
Classification: Likely benign for Hereditary nonpolyposis colorectal neoplasms. Last evaluated: 2026-01-31. Review status: criteria provided, single submitter. Criteria: Invitae Variant Classification Sherloc (09022015). Collection method: clinical testing. Allele origin: germline.

Mayo Clinic Laboratories, Mayo Clinic
Classification: Likely benign. Last evaluated: 2025-10-10. Review status: criteria provided, single submitter. Criteria: ACMG Guidelines, 2015. Collection method: clinical testing. Allele origin: germline. Observed: 1 variant allele.
Comment: BP4, BP7

PreventionGenetics, part of Exact Sciences
Classification: Likely benign for MSH6-related condition. Last evaluated: 2025-05-27. Review status: criteria provided, single submitter. Criteria: ACMG Guidelines, 2015. Collection method: clinical testing. Allele origin: germline.
Comment: This variant is classified as likely benign based on ACMG/AMP sequence variant interpretation guidelines (Richards et al. 2015 PMID: 25741868, with internal and published modifications).

Center for Genomic Medicine, Rigshospitalet, Copenhagen University Hospital
Classification: Likely benign. Last evaluated: 2025-03-04. Review status: criteria provided, single submitter. Criteria: ACMG Guidelines, 2015. Collection method: clinical testing. Allele origin: germline.

Blueprint Genetics
Classification: Likely benign. Last evaluated: 2024-10-24. Review status: criteria provided, single submitter. Criteria: ACMG Guidelines, 2015. Collection method: clinical testing. Allele origin: germline.

Institute for Biomarker Research, Medical Diagnostic Laboratories, L.L.C.
Classification: Likely benign for Hereditary cancer-predisposing syndrome. Last evaluated: 2024-06-17. Review status: criteria provided, single submitter. Criteria: ACMG Guidelines, 2015. Collection method: clinical testing. Allele origin: germline.

All of Us Research Program, National Institutes of Health
Classification: Likely benign for Lynch syndrome. Last evaluated: 2023-12-13. Review status: criteria provided, single submitter. Criteria: ACMG Guidelines, 2015. Collection method: clinical testing. Allele origin: germline. Inheritance: Autosomal dominant inheritance. Observed: 14 variant alleles, 14 heterozygotes.
Comment: This study involves interpretation of variants in research participants for the purpose of population health screening. Participant phenotype was not available at the time of variant classification. Additional details can be found in publication PMID: 35346344, PMCID: PMC8962531

ARUP Laboratories, Molecular Genetics and Genomics, ARUP Laboratories
Classification: Likely benign. Last evaluated: 2023-11-22. Review status: criteria provided, single submitter. Criteria: ARUP Molecular Germline Variant Investigation Process 2024. Collection method: clinical testing. Allele origin: germline.

Myriad Genetics, Inc.
Classification: Benign for Lynch syndrome 5. Last evaluated: 2023-03-28. Review status: criteria provided, single submitter. Criteria: Myriad Autosomal Dominant, Autosomal Recessive and X-Linked Classification Criteria (2023). Collection method: clinical testing. Allele origin: unknown.
Comment: This variant is considered benign. This variant is a silent/synonymous amino acid change and it is not expected to impact splicing.

Sema4
Classification: Likely benign for Hereditary cancer-predisposing syndrome. Last evaluated: 2021-08-17. Review status: criteria provided, single submitter. Criteria: Sema4 Curation Guidelines. Collection method: curation. Allele origin: germline.

Women's Health and Genetics/Laboratory Corporation of America, LabCorp
Classification: Likely benign. Last evaluated: 2019-08-02. Review status: criteria provided, single submitter. Criteria: LabCorp Variant Classification Summary - May 2015. Collection method: clinical testing. Allele origin: germline.

Color Diagnostics, LLC DBA Color Health
Classification: Likely benign for Hereditary cancer-predisposing syndrome. Last evaluated: 2016-04-04. Review status: criteria provided, single submitter. Criteria: ACMG Guidelines, 2015. Collection method: clinical testing. Allele origin: germline.

GeneDx
Classification: Benign. Last evaluated: 2015-05-21. Review status: criteria provided, single submitter. Criteria: GeneDx Variant Classification (06012015). Collection method: clinical testing. Allele origin: germline. Affected: yes.
Comment: This variant is considered likely benign or benign based on one or more of the following criteria: it is a conservative change, it occurs at a poorly conserved position in the protein, it is predicted to be benign by multiple in silico algorithms, and/or has population frequency not consistent with disease.

Ambry Genetics
Classification: Likely benign for Hereditary cancer-predisposing syndrome. Last evaluated: 2014-08-26. Review status: criteria provided, single submitter. Criteria: Ambry Variant Classification Scheme 2023. Collection method: clinical testing. Allele origin: germline.

Counsyl
Classification: Likely benign for Lynch syndrome 5. Last evaluated: 2015-11-17. Review status: no assertion criteria provided. Collection method: clinical testing. Allele origin: unknown. Not counted in ClinVar's aggregate classification.

Department of Pathology and Laboratory Medicine, Sinai Health System
Classification: Likely benign. Review status: no assertion criteria provided. Collection method: clinical testing. Allele origin: unknown. Affected: yes. Observed: 1 variant allele. Study: The Canadian Open Genetics Repository (COGR). Not counted in ClinVar's aggregate classification.
Comment: The MSH6 p.Thr1133= variant was not identified in the literature nor was it identified in the UMD-LSDB database. The variant was identified in dbSNP (ID: rs61748084) as "With Likely benign allele", and in ClinVar (classified as benign by GeneDx; as likely benign by Invitae, Ambry Genetics, Counsyl and Color). The variant was identified in control databases in 9 of 277182 chromosomes at a frequency of 0.00003 (Genome Aggregation Database Feb 27, 2017). The variant was observed in the following populations: African in 1 of 24036 chromosomes (freq: 0.00004), Latino in 1 of 34408 chromosomes (freq: 0.00003), European in 7 of 126686 chromosomes (freq: 0.00006); it was not observed in the Other, Ashkenazi Jewish, East Asian, Finnish, and South Asian populations. The p.Thr1133= variant is not expected to have clinical significance because it does not result in a change of amino acid and is not located in a known consensus splice site. In addition, in silico or computational prediction software programs (SpliceSiteFinder, MaxEntScan, NNSPLICE, GeneSplicer) do not predict a difference in splicing. In summary, based on the above information the clinical significance of this variant cannot be determined with certainty at this time although we would lean towards a more benign role for this variant. This variant is classified as likely benign.

NM_000179.3(MSH6):c.3399T>C (p.Thr1133=)

Gene: MSH6 (mutS homolog 6; plus strand). Cytogenetic location: 2p16.3.
Variant type: single nucleotide variant.
Coding change: c.3399T>C on transcript NM_000179.3 (MANE Select); coding-DNA position 3399, T replaced by C.
Protein change: p.Thr1133=; no amino-acid change (threonine 1133 retained).
Molecular consequence: synonymous variant.
Genome position (GRCh38, 1-based): chr2:47,803,646, T>C. VCF-style: chr2-47803646-T-C. GRCh37 (hg19) VCF-style: chr2-48030785-T-C.
Other names: p.Thr1133=; c.3009T>C, p.Thr1003= (NM_001281492.2); c.2493T>C, p.Thr831= (NM_001281493.2, NM_001281494.2).
Identifiers: ClinVar variation 183717 (VCV000183717.33), dbSNP rs61748084, ClinGen allele CA012758.